The following is an entry in ClinVar:

ClinVar aggregate classification (germline): Likely benign. Review status: criteria provided, single submitter (1 of 4 stars). 2 submissions from 2 submitters: Likely benign (1). 1 of the submissions does not count toward it. Last evaluated 2024-09-09.

Conditions:
Myasthenic syndrome, congenital, 22 (CMS22). Also called: PREPL DEFICIENCY. Identifiers: MedGen C4479088, MONDO:0044299, OMIM 616224.
PREPL-related disorder. Also called: PREPL-related condition.

Allele frequency attached by ClinVar (database versions not stated): gnomAD exomes 0.00001; TOPMed 0.00001.
gnomAD v4.1: 8 of 1,596,522 alleles (0.0005%); highest among the groups gnomAD compares: East Asian, 0.0067%; no homozygotes.

Submissions (2):

Labcorp Genetics (formerly Invitae), Labcorp
Classification: Likely benign for Myasthenic syndrome, congenital, 22. Last evaluated: 2024-09-09. Review status: criteria provided, single submitter. Criteria: Invitae Variant Classification Sherloc (09022015). Collection method: clinical testing. Allele origin: germline.

PreventionGenetics, part of Exact Sciences
Classification: Likely benign for PREPL-related condition. Last evaluated: 2021-02-22. Review status: no assertion criteria provided. Collection method: clinical testing. Allele origin: germline. Not counted in ClinVar's aggregate classification.
Comment: This variant is classified as likely benign based on ACMG/AMP sequence variant interpretation guidelines (Richards et al. 2015 PMID: 25741868, with internal and published modifications).

NM_001171613.2(PREPL):c.703-4G>A

Gene: PREPL (prolyl endopeptidase like; minus strand). Cytogenetic location: 2p21.
Variant type: single nucleotide variant.
Coding change: c.703-4G>A on transcript NM_001171613.2 (MANE Select); 4 bases into the intron before coding-DNA position 703, G replaced by A.
Molecular consequence: intron variant.
Genome position (GRCh38, 1-based): chr2:44,338,540, C>T on the plus strand (G>A on the coding strand, the complement: PREPL is on the minus strand). VCF-style: chr2-44338540-C-T. GRCh37 (hg19) VCF-style: chr2-44565679-C-T.
Other names: c.703-4G>A (NM_001171617.1, NM_001374277.1); c.970-4G>A (NM_001171603.1, NM_001374275.1, NM_001374276.1 and 3 more transcripts); c.969+607G>A (NM_001042385.2).
Identifiers: ClinVar variation 1079955 (VCV001079955.11), dbSNP rs185432623, ClinGen allele CA532703814.